The following is an entry in ClinVar:

NM_020937.4(FANCM):c.734G>T (p.Ser245Ile)

Gene: FANCM (FA complementation group M; plus strand). Cytogenetic location: 14q21.2.
Variant type: single nucleotide variant.
Coding change: c.734G>T on transcript NM_020937.4 (MANE Select); coding-DNA position 734, G replaced by T.
Protein change: p.Ser245Ile; replaces serine 245 with isoleucine.
Molecular consequence: missense variant. On other transcripts: intron variant (1).
Genome position (GRCh38, 1-based): chr14:45,140,684, G>T. VCF-style: chr14-45140684-G-T. GRCh37 (hg19) VCF-style: chr14-45609887-G-T.
Other names: c.734G>T, p.Ser245Ile (NM_001308134.2); c.681+3443G>T (NM_001308133.2); short protein forms S245I.
Identifiers: ClinVar variation 4282025 (VCV004282025.2).

ClinVar aggregate classification (germline): Uncertain significance. Review status: criteria provided, multiple submitters, no conflicts (2 of 4 stars). 2 submissions from 2 submitters: Uncertain significance (2). Last evaluated 2026-03-06.

Conditions:
Inborn genetic diseases. Identifiers: MedGen C0950123, MeSH D030342.

Submissions (2):

Ambry Genetics
Classification: Uncertain significance for Inborn genetic diseases. Last evaluated: 2026-03-06. Review status: criteria provided, single submitter. Criteria: Ambry Variant Classification Scheme 2023. Collection method: clinical testing. Allele origin: germline.
Comment: The p.S245I variant (also known as c.734G>T), located in coding exon 3 of the FANCM gene, results from a G to T substitution at nucleotide position 734. The serine at codon 245 is replaced by isoleucine, an amino acid with dissimilar properties. This amino acid position is conserved. In addition, the in silico prediction for this alteration is inconclusive. Based on the available evidence, the clinical significance of this variant remains unclear.

GeneDx
Classification: Uncertain significance. Last evaluated: 2025-04-10. Review status: criteria provided, single submitter. Criteria: GeneDx Variant Classification Process June 2021. Collection method: clinical testing. Allele origin: germline. Affected: yes.
Comment: Not observed at significant frequency in large population cohorts (gnomAD); In silico analysis supports that this missense variant has a deleterious effect on protein structure/function; Has not been previously published as pathogenic or benign to our knowledge